The following is an entry in ClinVar:

NM_004187.5(KDM5C):c.1555T>C (p.Trp519Arg)

Gene: KDM5C (lysine demethylase 5C; minus strand). Cytogenetic location: Xp11.22.
Variant type: single nucleotide variant.
Coding change: c.1555T>C on transcript NM_004187.5 (MANE Select); coding-DNA position 1555, T replaced by C.
Protein change: p.Trp519Arg; replaces tryptophan 519 with arginine.
Molecular consequence: missense variant. On other transcripts: non-coding transcript variant (3).
Genome position (GRCh38, 1-based): chrX:53,210,704, A>G on the plus strand (T>C on the coding strand, the complement: KDM5C is on the minus strand). VCF-style: chrX-53210704-A-G. GRCh37 (hg19) VCF-style: chrX-53239886-A-G.
Other names: c.1354T>C, p.Trp452Arg (NM_001146702.2); c.1552T>C, p.Trp518Arg (NM_001282622.3, NM_001353979.2, NM_001353982.2); c.1555T>C, p.Trp519Arg (NM_001353978.3, NM_001353981.2, NM_001353984.2); short protein forms W452R, W518R, W519R.
Identifiers: ClinVar variation 1305895 (VCV001305895.2), dbSNP rs2146915788, ClinGen allele CA413128295.
Genomic context (GRCh38, chrX:53,210,704, plus strand): 5'-TTGATTCCCTGGCTCCCCAGGGTCCCACTCACCAGTGGAGGTAGTTAATGGAGTAACTCC[A>G]GTGATCCTCAATATGCCAGCAAAAGGCTGAGAAGACCATGCCCACGTAGAGCCAGGGCAC-3'
Protein context (NP_004178.2, residues 509-529): SAFCWHIEDH[Trp519Arg]SYSINYLHWG

ClinVar aggregate classification (germline): Uncertain significance (1 of 4 stars; one submission).

Submission:

GeneDx
Classification: Uncertain significance. Last evaluated: 2019-06-05. Review status: criteria provided, single submitter. Criteria: GeneDx Variant Classification Process June 2021. Collection method: clinical testing. Allele origin: germline. Affected: yes.
Comment: Not observed in large population cohorts (Lek et al., 2016); In silico analysis, which includes protein predictors and evolutionary conservation, supports a deleterious effect; Has not been previously published as pathogenic or benign to our knowledge